The following is an entry in ClinVar:

NM_001267550.2(TTN):c.51886C>T (p.Arg17296Cys)

Genes: TTN (titin; minus strand), TTN-AS1 (TTN antisense RNA 1; plus strand). Cytogenetic location: 2q31.2.
Variant type: single nucleotide variant.
Coding change: c.51886C>T on transcript NM_001267550.2 (MANE Select); coding-DNA position 51886, C replaced by T.
Protein change: p.Arg17296Cys; replaces arginine 17296 with cysteine.
Molecular consequence: missense variant.
Genome position (GRCh38, 1-based): chr2:178,609,424, G>A on the plus strand (C>T on the coding strand, the complement: TTN is on the minus strand). VCF-style: chr2-178609424-G-A. GRCh37 (hg19) VCF-style: chr2-179474151-G-A.
Other names: c.46963C>T, p.Arg15655Cys (NM_001256850.1); c.24691C>T, p.Arg8231Cys (NM_003319.4); c.44182C>T, p.Arg14728Cys (NM_133378.4); c.25066C>T, p.Arg8356Cys (NM_133432.3); c.25267C>T, p.Arg8423Cys (NM_133437.4); short protein forms R14728C, R8231C, R17296C, R8423C, R15655C, R8356C.
Identifiers: ClinVar variation 4985720 (VCV004985720.1).
Genomic context (GRCh38, chr2:178,609,424, plus strand): 5'-GGACAAATGGTTCTTCTTCTTGAACTTCACCCTTCCTTCTCCTAACCAAGGGTGCTGCAC[G>A]CTTCTTAATTTCCTCTGGTACAATAACATTTTCATCCTTTATCCATGTAATAGTTGGGTA-3'
Protein context (NP_001254479.2, residues 17286-17306): NVIVPEEIKK[Arg17296Cys]AAPLVRRRKG

ClinVar aggregate classification (germline): Uncertain significance (1 of 4 stars; one submission).

Conditions:
TTN-related disorder. Also called: TTN-related disorders; TTN-related condition; TTN-related disease.

gnomAD v4.1: 49 of 1,612,158 alleles (0.003%); highest among the groups gnomAD compares: Non-Finnish European, 0.0041%; no homozygotes.

Submission:

PreventionGenetics, part of Exact Sciences
Classification: Uncertain significance for TTN-related condition. Last evaluated: 2025-07-22. Review status: criteria provided, single submitter. Criteria: ACMG Guidelines, 2015. Collection method: clinical testing. Allele origin: germline.
Comment: The TTN c.51886C>T variant is predicted to result in the amino acid substitution p.Arg17296Cys. To our knowledge, this variant has not been reported in the literature. This variant is reported in 0.0065% of alleles in individuals of African descent in gnomAD. At this time, the clinical significance of this variant is uncertain due to the absence of conclusive functional and genetic evidence.